The following is an entry in ClinVar:

ClinVar aggregate classification (germline): Uncertain significance. Review status: criteria provided, multiple submitters, no conflicts (2 of 4 stars). 3 submissions from 3 submitters: Uncertain significance (2). 1 of the submissions does not count toward it. Last evaluated 2025-08-26.

Conditions:
Glycine encephalopathy. Also called: Nonketotic hyperglycinemia; Non-ketotic hyperglycinemia. Identifiers: Orphanet 407, MedGen C0751748, MONDO:0011612, HP:0008288.
Glycine encephalopathy 1 (GCE1). Identifiers: MedGen CN376801, MONDO:0958179, OMIM 605899.

Submissions (3):

Myriad Genetics, Inc.
Classification: Uncertain significance for Glycine encephalopathy 1. Last evaluated: 2025-08-26. Review status: criteria provided, single submitter. Criteria: Myriad Autosomal Dominant, Autosomal Recessive and X-Linked Classification Criteria (2023). Collection method: clinical testing. Allele origin: unknown.
Comment: NM_000170.2(GLDC):c.560C>G(T187R) is a missense variant classified as a variant of uncertain significance in the context of glycine encephalopathy, GLDC-related. T187R has not been observed in cases with relevant disease. Relevant functional assessments of this variant are not available in the literature. T187R has not been observed in referenced population frequency databases. In summary, there is insufficient evidence to classify NM_000170.2(GLDC):c.560C>G(T187R) as pathogenic or benign. Please note: this variant was assessed in the context of healthy population screening.

Labcorp Genetics (formerly Invitae), Labcorp
Classification: Uncertain significance for Glycine encephalopathy. Last evaluated: 2022-07-17. Review status: criteria provided, single submitter. Criteria: Invitae Variant Classification Sherloc (09022015). Collection method: clinical testing. Allele origin: germline.
Comment: In summary, the available evidence is currently insufficient to determine the role of this variant in disease. Therefore, it has been classified as a Variant of Uncertain Significance. Advanced modeling of protein sequence and biophysical properties (such as structural, functional, and spatial information, amino acid conservation, physicochemical variation, residue mobility, and thermodynamic stability) performed at Invitae indicates that this missense variant is expected to disrupt GLDC protein function. ClinVar contains an entry for this variant (Variation ID: 1339567). This variant has not been reported in the literature in individuals affected with GLDC-related conditions. This variant is not present in population databases (gnomAD no frequency). This sequence change replaces threonine, which is neutral and polar, with arginine, which is basic and polar, at codon 187 of the GLDC protein (p.Thr187Arg).

Center for Molecular Medicine, Children’s Hospital of Fudan University
Classification: Likely pathogenic for Glycine encephalopathy 1. Last evaluated: 2022-02-08. Review status: no assertion criteria provided. Collection method: clinical testing. Allele origin: paternal. Affected: yes. Not counted in ClinVar's aggregate classification.

Literature cited by the submitters: PubMed 16601880 (cited by Center for Molecular Medicine, Children’s Hospital of Fudan University).

NM_000170.3(GLDC):c.560C>G (p.Thr187Arg)

Gene: GLDC (glycine decarboxylase; minus strand). Cytogenetic location: 9p24.1.
Variant type: single nucleotide variant.
Coding change: c.560C>G on transcript NM_000170.3 (MANE Select); coding-DNA position 560, C replaced by G.
Protein change: p.Thr187Arg; replaces threonine 187 with arginine.
Molecular consequence: missense variant.
Genome position (GRCh38, 1-based): chr9:6,610,267, G>C on the plus strand (C>G on the coding strand, the complement: GLDC is on the minus strand). VCF-style: chr9-6610267-G-C. GRCh37 (hg19) VCF-style: chr9-6610267-G-C.
Other names: short protein forms T187R.
Identifiers: ClinVar variation 1339567 (VCV001339567.10), dbSNP rs386833582, ClinGen allele CA372898347.